The following is an entry in ClinVar:

NM_007294.4(BRCA1):c.48T>G (p.Asn16Lys)

Gene: BRCA1 (BRCA1 DNA repair associated; minus strand). Cytogenetic location: 17q21.31.
Variant type: single nucleotide variant.
Coding change: c.48T>G on transcript NM_007294.4 (MANE Select); coding-DNA position 48, T replaced by G.
Protein change: p.Asn16Lys; replaces asparagine 16 with lysine.
Molecular consequence: missense variant. On other transcripts: 5 prime UTR variant (1), non-coding transcript variant (1).
Genome position (GRCh38, 1-based): chr17:43,124,049, A>C on the plus strand (T>G on the coding strand, the complement: BRCA1 is on the minus strand). VCF-style: chr17-43124049-A-C. GRCh37 (hg19) VCF-style: chr17-41276066-A-C.
Other names: c.48T>G, p.Asn16Lys (NM_001407919.1, NM_001407937.1, NM_001407938.1 and 193 more transcripts); c.-239T>G (NM_001407920.1, NM_001407697.1, NM_001407846.1); c.-213T>G (NM_001407921.1, NM_001407923.1, NM_001407927.1 and 22 more transcripts); c.-40T>G (NM_001407924.1, NM_001407925.1, NM_001407928.1 and 23 more transcripts); c.-210T>G (NM_001407930.1, NM_001407942.1, NM_001408455.1 and 11 more transcripts); c.-217T>G (NM_001407934.1, NM_001408497.1, NM_001407741.1); c.-141T>G (NM_001407946.1, NM_001407947.1, NM_001407948.1 and 46 more transcripts); c.-260T>G (NM_001407954.1, NM_001408513.1, NM_001407917.1); and 8 more; short protein forms N16K.
Identifiers: ClinVar variation 868730 (VCV000868730.3), dbSNP rs1555600963, ClinGen allele CA10602062.

Conditions:
Breast-ovarian cancer, familial, susceptibility to, 1 (BROVCA1). Also called: BRCA1 Hereditary Breast and Ovarian Cancer; OVARIAN CANCER, SUSCEPTIBILITY TO. Identifiers: Orphanet 145, MedGen C2676676, MONDO:0011450, OMIM 604370. Disease mechanism: loss of function.

Submission:

Brotman Baty Institute, University of Washington
No classification provided (evidence only). Condition: Breast-ovarian cancer, familial 1. Review status: no classification provided. Collection method: in vitro. Allele origin: not applicable. Functional consequence: functionally_normal.
ClinVar note: "not provided" was previously submitted as the classification for the variant. However, the classification appeared to be based only on an observation of functional data so it was converted to no classification on 2025-07-30.